The following is an entry in ClinVar:

NM_000548.5(TSC2):c.1306C>G (p.Pro436Ala)

Gene: TSC2 (TSC complex subunit 2; plus strand). Cytogenetic location: 16p13.3.
Variant type: single nucleotide variant.
Coding change: c.1306C>G on transcript NM_000548.5 (MANE Select); coding-DNA position 1306, C replaced by G.
Protein change: p.Pro436Ala; replaces proline 436 with alanine.
Molecular consequence: missense variant.
Genome position (GRCh38, 1-based): chr16:2,062,545, C>G. VCF-style: chr16-2062545-C-G. GRCh37 (hg19) VCF-style: chr16-2112546-C-G.
Other names: c.1306C>G (NM_000548.3); c.1306C>G, p.Pro436Ala (NM_001077183.3, NM_001114382.3, NM_001363528.2 and 3 more transcripts); c.1195C>G, p.Pro399Ala (NM_001318827.2); c.1159C>G, p.Pro387Ala (NM_001318829.2); c.706C>G, p.Pro236Ala (NM_001318831.2); c.1339C>G, p.Pro447Ala (NM_001318832.2); short protein forms P236A, P387A, P399A, P436A, P447A.
Identifiers: ClinVar variation 1015972 (VCV001015972.7), dbSNP rs1489429320, ClinGen allele CA394322200.

ClinVar aggregate classification (germline): Uncertain significance. Review status: criteria provided, multiple submitters, no conflicts (2 of 4 stars). 2 submissions from 2 submitters: Uncertain significance (2). Last evaluated 2026-01-28.

Conditions:
Hereditary cancer-predisposing syndrome. Also called: Tumor predisposition; Hereditary Cancer Syndrome; Neoplastic Syndromes, Hereditary; Hereditary neoplastic syndrome. Identifiers: Orphanet 140162, MedGen C0027672, MeSH D009386, MONDO:0015356.
Tuberous sclerosis 2 (TSC2). Identifiers: Orphanet 805, MedGen C1860707, MONDO:0013199, OMIM 613254.

Submissions (2):

Labcorp Genetics (formerly Invitae), Labcorp
Classification: Uncertain significance for Tuberous sclerosis 2. Last evaluated: 2026-01-28. Review status: criteria provided, single submitter. Criteria: Invitae Variant Classification Sherloc (09022015). Collection method: clinical testing. Allele origin: germline.
Comment: This sequence change replaces proline, which is neutral and non-polar, with alanine, which is neutral and non-polar, at codon 436 of the TSC2 protein (p.Pro436Ala). This variant is not present in population databases (gnomAD no frequency). This variant has not been reported in the literature in individuals affected with TSC2-related conditions. ClinVar contains an entry for this variant (Variation ID: 1015972). Invitae Evidence Modeling of protein sequence and biophysical properties (such as structural, functional, and spatial information, amino acid conservation, physicochemical variation, residue mobility, and thermodynamic stability) indicates that this missense variant is not expected to disrupt TSC2 protein function with a negative predictive value of 95%. In summary, the available evidence is currently insufficient to determine the role of this variant in disease. Therefore, it has been classified as a Variant of Uncertain Significance.

Ambry Genetics
Classification: Uncertain significance for Hereditary cancer-predisposing syndrome. Last evaluated: 2024-11-30. Review status: criteria provided, single submitter. Criteria: Ambry Variant Classification Scheme 2023. Collection method: clinical testing. Allele origin: germline.
Comment: The p.P436A variant (also known as c.1306C>G), located in coding exon 12 of the TSC2 gene, results from a C to G substitution at nucleotide position 1306. The proline at codon 436 is replaced by alanine, an amino acid with highly similar properties. This amino acid position is conserved. In addition, this alteration is predicted to be deleterious by in silico analysis. Based on the available evidence, the clinical significance of this variant remains unclear.